The following is an entry in ClinVar:

NM_006231.4(POLE):c.2965G>T (p.Val989Leu)

Gene: POLE (DNA polymerase epsilon, catalytic subunit; minus strand). Cytogenetic location: 12q24.33.
Variant type: single nucleotide variant.
Coding change: c.2965G>T on transcript NM_006231.4 (MANE Select); coding-DNA position 2965, G replaced by T.
Protein change: p.Val989Leu; replaces valine 989 with leucine.
Molecular consequence: missense variant.
Genome position (GRCh38, 1-based): chr12:132,661,064, C>A on the plus strand (G>T on the coding strand, the complement: POLE is on the minus strand). VCF-style: chr12-132661064-C-A. GRCh37 (hg19) VCF-style: chr12-133237650-C-A.
Other names: short protein forms V989L.
Identifiers: ClinVar variation 660752 (VCV000660752.13), dbSNP rs529927099, ClinGen allele CA6893394.

ClinVar aggregate classification (germline): Uncertain significance. Review status: criteria provided, multiple submitters, no conflicts (2 of 4 stars). 3 submissions from 3 submitters: Uncertain significance (3). Last evaluated 2025-12-19.

Conditions:
Hereditary cancer-predisposing syndrome. Also called: Neoplastic Syndromes, Hereditary; Tumor predisposition; Hereditary neoplastic syndrome; Hereditary Cancer Syndrome. Identifiers: Orphanet 140162, MedGen C0027672, MeSH D009386, MONDO:0015356.

Allele frequency attached by ClinVar (database versions not stated): gnomAD exomes below 0.00001; ExAC 0.00001; gnomAD 0.00001; 1000 Genomes Project 30x 0.00016; 1000 Genomes Project 0.00020.
gnomAD v4.1: 2 of 1,614,064 alleles (0.00012%); highest among the groups gnomAD compares: African/African-American, 0.0013%; no homozygotes.

Submissions (3):

Labcorp Genetics (formerly Invitae), Labcorp
Classification: Uncertain significance. Last evaluated: 2025-12-19. Review status: criteria provided, single submitter. Criteria: Invitae Variant Classification Sherloc (09022015). Collection method: clinical testing. Allele origin: germline.
Comment: This sequence change replaces valine, which is neutral and non-polar, with leucine, which is neutral and non-polar, at codon 989 of the POLE protein (p.Val989Leu). This variant is present in population databases (rs529927099, gnomAD 0.007%). This variant has not been reported in the literature in individuals affected with POLE-related conditions. ClinVar contains an entry for this variant (Variation ID: 660752). Invitae Evidence Modeling of protein sequence and biophysical properties (such as structural, functional, and spatial information, amino acid conservation, physicochemical variation, residue mobility, and thermodynamic stability) indicates that this missense variant is not expected to disrupt POLE protein function with a negative predictive value of 80%. In summary, the available evidence is currently insufficient to determine the role of this variant in disease. Therefore, it has been classified as a Variant of Uncertain Significance.

Ambry Genetics
Classification: Uncertain significance for Hereditary cancer-predisposing syndrome. Last evaluated: 2025-10-12. Review status: criteria provided, single submitter. Criteria: Ambry Variant Classification Scheme 2023. Collection method: clinical testing. Allele origin: germline.
Comment: The p.V989L variant (also known as c.2965G>T), located in coding exon 25 of the POLE gene, results from a G to T substitution at nucleotide position 2965. The valine at codon 989 is replaced by leucine, an amino acid with highly similar properties. This amino acid position is conserved. In addition, the in silico prediction for this alteration is inconclusive. Since supporting evidence is limited at this time, the clinical significance of this alteration remains unclear.

GeneDx
Classification: Uncertain significance. Last evaluated: 2023-04-19. Review status: criteria provided, single submitter. Criteria: GeneDx Variant Classification Process June 2021. Collection method: clinical testing. Allele origin: germline. Affected: yes.
Comment: Not observed at significant frequency in large population cohorts (gnomAD); In silico analysis supports that this missense variant has a deleterious effect on protein structure/function; Has not been previously published as pathogenic or benign to our knowledge